The following is an entry in ClinVar:

NM_004656.4(BAP1):c.1522C>T (p.Arg508Cys)

Gene: BAP1 (BRCA1 associated deubiquitinase 1; minus strand). Cytogenetic location: 3p21.1.
Variant type: single nucleotide variant.
Coding change: c.1522C>T on transcript NM_004656.4 (MANE Select); coding-DNA position 1522, C replaced by T.
Protein change: p.Arg508Cys; replaces arginine 508 with cysteine.
Molecular consequence: missense variant.
Genome position (GRCh38, 1-based): chr3:52,403,623, G>A on the plus strand (C>T on the coding strand, the complement: BAP1 is on the minus strand). VCF-style: chr3-52403623-G-A. GRCh37 (hg19) VCF-style: chr3-52437639-G-A.
Other names: c.1522C>T (NM_004656.2); short protein forms R508C.
Identifiers: ClinVar variation 539921 (VCV000539921.11), dbSNP rs951076425, ClinGen allele CA74740729.

ClinVar aggregate classification (germline): Conflicting classifications of pathogenicity. Review status: criteria provided, conflicting classifications (1 of 4 stars). 2 submissions from 2 submitters: Uncertain significance (1); Likely benign (1). Last evaluated 2025-11-20.

Conditions:
Hereditary cancer-predisposing syndrome. Also called: Neoplastic Syndromes, Hereditary; Hereditary Cancer Syndrome; Hereditary neoplastic syndrome; Tumor predisposition. Identifiers: Orphanet 140162, MedGen C0027672, MeSH D009386, MONDO:0015356.
BAP1-related tumor predisposition syndrome (TPDS1). Also called: COMMON Syndrome; TUMOR PREDISPOSITION SYNDROME 1; BAP1 tumor predisposition syndrome; Tumor susceptibility linked to germline BAP1 mutations. Identifiers: Orphanet 289539, MedGen C3280492, MONDO:0013692, OMIM 614327.

Allele frequency attached by ClinVar (database versions not stated): gnomAD exomes below 0.00001; TOPMed 0.00001.

Submissions (2):

Ambry Genetics
Classification: Likely benign for Hereditary cancer-predisposing syndrome. Last evaluated: 2025-11-20. Review status: criteria provided, single submitter. Criteria: Ambry Variant Classification Scheme 2023. Collection method: clinical testing. Allele origin: germline.

Labcorp Genetics (formerly Invitae), Labcorp
Classification: Uncertain significance for BAP1-related tumor predisposition syndrome. Last evaluated: 2024-10-21. Review status: criteria provided, single submitter. Criteria: Invitae Variant Classification Sherloc (09022015). Collection method: clinical testing. Allele origin: germline.
Comment: This sequence change replaces arginine, which is basic and polar, with cysteine, which is neutral and slightly polar, at codon 508 of the BAP1 protein (p.Arg508Cys). This variant is present in population databases (no rsID available, gnomAD 0.0009%). This variant has not been reported in the literature in individuals affected with BAP1-related conditions. ClinVar contains an entry for this variant (Variation ID: 539921). Invitae Evidence Modeling of protein sequence and biophysical properties (such as structural, functional, and spatial information, amino acid conservation, physicochemical variation, residue mobility, and thermodynamic stability) has been performed for this missense variant. However, the output from this modeling did not meet the statistical confidence thresholds required to predict the impact of this variant on BAP1 protein function. In summary, the available evidence is currently insufficient to determine the role of this variant in disease. Therefore, it has been classified as a Variant of Uncertain Significance.

Literature cited by the submitters: PubMed 38969833 (cited by Ambry Genetics).